The following is an entry in ClinVar:

ClinVar aggregate classification (germline): Likely benign. Review status: criteria provided, multiple submitters, no conflicts (2 of 4 stars). 4 submissions from 4 submitters: Likely benign (4). Last evaluated 2026-01-26.

Conditions:
Familial thoracic aortic aneurysm and aortic dissection (TAAD). Also called: Thoracic aortic aneurysms and dissections. Identifiers: Orphanet 91387, MedGen C4707243, MONDO:0019625.

Allele frequency attached by ClinVar (database versions not stated): TOPMed 0.00001.
gnomAD v4.1: 5 of 1,614,102 alleles (0.00031%); highest among the groups gnomAD compares: South Asian, 0.0011%; no homozygotes.

Submissions (4):

Labcorp Genetics (formerly Invitae), Labcorp
Classification: Likely benign for Familial thoracic aortic aneurysm and aortic dissection. Last evaluated: 2026-01-26. Review status: criteria provided, single submitter. Criteria: Invitae Variant Classification Sherloc (09022015). Collection method: clinical testing. Allele origin: germline.

Ambry Genetics
Classification: Likely benign for Familial thoracic aortic aneurysm and aortic dissection. Last evaluated: 2024-12-05. Review status: criteria provided, single submitter. Criteria: Ambry Variant Classification Scheme 2023. Collection method: clinical testing. Allele origin: germline.

Color Diagnostics, LLC DBA Color Health
Classification: Likely benign for Familial thoracic aortic aneurysm and aortic dissection. Last evaluated: 2019-10-01. Review status: criteria provided, single submitter. Criteria: ACMG Guidelines, 2015. Collection method: clinical testing. Allele origin: germline.

GeneDx
Classification: Likely benign. Last evaluated: 2016-06-08. Review status: criteria provided, single submitter. Criteria: GeneDx Variant Classification (06012015). Collection method: clinical testing. Allele origin: germline. Affected: yes.
Comment: This variant is considered likely benign or benign based on one or more of the following criteria: it is a conservative change, it occurs at a poorly conserved position in the protein, it is predicted to be benign by multiple in silico algorithms, and/or has population frequency not consistent with disease.

NM_004612.4(TGFBR1):c.558G>A (p.Thr186=)

Gene: TGFBR1 (transforming growth factor beta receptor 1; plus strand). Cytogenetic location: 9q22.33.
Variant type: single nucleotide variant.
Coding change: c.558G>A on transcript NM_004612.4 (MANE Select); coding-DNA position 558, G replaced by A.
Protein change: p.Thr186=; no amino-acid change (threonine 186 retained).
Molecular consequence: synonymous variant. On other transcripts: intron variant (1).
Genome position (GRCh38, 1-based): chr9:99,132,723, G>A. VCF-style: chr9-99132723-G-A. GRCh37 (hg19) VCF-style: chr9-101895005-G-A.
Other names: c.570G>A, p.Thr190= (NM_001306210.2); c.343+3623G>A (NM_001130916.3).
Identifiers: ClinVar variation 386832 (VCV000386832.12), dbSNP rs538382054, ClinGen allele CA042325.